The following is an entry in ClinVar:

NM_012210.4(TRIM32):c.263C>G (p.Thr88Arg)

Genes: ASTN2 (astrotactin 2; minus strand), TRIM32 (tripartite motif containing 32; plus strand). Cytogenetic location: 9q33.1.
Variant type: single nucleotide variant.
Coding change: c.263C>G on transcript NM_012210.4 (MANE Select); coding-DNA position 263, C replaced by G.
Protein change: p.Thr88Arg; replaces threonine 88 with arginine.
Molecular consequence: missense variant. On other transcripts: intron variant (3).
Genome position (GRCh38, 1-based): chr9:116,698,005, C>G. VCF-style: chr9-116698005-C-G. GRCh37 (hg19) VCF-style: chr9-119460284-C-G.
Other names: c.263C>G, p.Thr88Arg (NM_001099679.2, NM_001379048.1, NM_001379049.1 and 1 more transcripts); c.2653+27766G>C (NM_014010.5); c.2794+27766G>C (NM_001365069.1); c.2806+27766G>C (NM_001365068.1); short protein forms T88R.
Identifiers: ClinVar variation 5002319 (VCV005002319.1).

ClinVar aggregate classification (germline): Uncertain significance (1 of 4 stars; one submission).

Conditions:
TRIM32-related disorder. Also called: TRIM32-related condition.

Submission:

PreventionGenetics, part of Exact Sciences
Classification: Uncertain significance for TRIM32-related condition. Last evaluated: 2025-02-07. Review status: criteria provided, single submitter. Criteria: ACMG Guidelines, 2015. Collection method: clinical testing. Allele origin: germline.
Comment: The TRIM32 c.263C>G variant is predicted to result in the amino acid substitution p.Thr88Arg. To our knowledge, this variant has not been reported in the literature or in a large population database (gnomAD), indicating this variant is rare. At this time, the clinical significance of this variant is uncertain due to the absence of conclusive functional and genetic evidence.